The following is an entry in ClinVar:

NM_000444.6(PHEX):c.701A>C (p.Asp234Ala)

Gene: PHEX (phosphate regulating endopeptidase X-linked; plus strand). Cytogenetic location: Xp22.11.
Variant type: single nucleotide variant.
Coding change: c.701A>C on transcript NM_000444.6 (MANE Select); coding-DNA position 701, A replaced by C.
Protein change: p.Asp234Ala; replaces aspartic acid 234 with alanine.
Molecular consequence: missense variant.
Genome position (GRCh38, 1-based): chrX:22,090,466, A>C. VCF-style: chrX-22090466-A-C. GRCh37 (hg19) VCF-style: chrX-22108584-A-C.
Other names: c.701A>C, p.Asp234Ala (NM_001282754.2); short protein forms D234A.
Identifiers: ClinVar variation 3360161 (VCV003360161.1).
Genomic context (GRCh38, chrX:22,090,466, plus strand): 5'-GCTTTCTGTTTTTGTTTTTACAGCTGGACCAAGCAACACTCTCCCTGGCCGTGAGGGAAG[A>C]CTACCTTGATAACAGTACAGAAGCCAAGTCTGTAAGTTTTACTCATATTCAACTATGTGC-3'
Protein context (NP_000435.3, residues 224-244): QATLSLAVRE[Asp234Ala]YLDNSTEAKS

ClinVar aggregate classification (germline): Uncertain significance (1 of 4 stars; one submission).

Submission:

GeneDx
Classification: Uncertain significance. Last evaluated: 2023-06-20. Review status: criteria provided, single submitter. Criteria: GeneDx Variant Classification Process June 2021. Collection method: clinical testing. Allele origin: germline. Affected: yes.
Comment: Not observed at significant frequency in large population cohorts (gnomAD); In silico analysis supports that this missense variant does not alter protein structure/function; Has not been previously published as pathogenic or benign to our knowledge